The following is an entry in ClinVar:

NM_003906.5(MCM3AP):c.2653C>T (p.Leu885Phe)

Gene: MCM3AP (minichromosome maintenance complex component 3 associated protein; minus strand). Cytogenetic location: 21q22.3.
Variant type: single nucleotide variant.
Coding change: c.2653C>T on transcript NM_003906.5 (MANE Select); coding-DNA position 2653, C replaced by T.
Protein change: p.Leu885Phe; replaces leucine 885 with phenylalanine.
Molecular consequence: missense variant.
Genome position (GRCh38, 1-based): chr21:46,267,118, G>A on the plus strand (C>T on the coding strand, the complement: MCM3AP is on the minus strand). VCF-style: chr21-46267118-G-A. GRCh37 (hg19) VCF-style: chr21-47687032-G-A.
Other names: short protein forms L885F.
Identifiers: ClinVar variation 1417340 (VCV001417340.5), dbSNP rs201315959, ClinGen allele CA10076774.

ClinVar aggregate classification (germline): Uncertain significance (1 of 4 stars; one submission).

Allele frequency attached by ClinVar (database versions not stated): gnomAD exomes 0.00003 and 0.00012; gnomAD 0.00006 and 0.00008; ExAC 0.00010; TOPMed 0.00011.
gnomAD v4.1: 55 of 1,613,960 alleles (0.0034%); highest among the groups gnomAD compares: East Asian, 0.12%; no homozygotes.

Submission:

Labcorp Genetics (formerly Invitae), Labcorp
Classification: Uncertain significance. Last evaluated: 2022-09-01. Review status: criteria provided, single submitter. Criteria: Invitae Variant Classification Sherloc (09022015). Collection method: clinical testing. Allele origin: germline.
Comment: This sequence change replaces leucine, which is neutral and non-polar, with phenylalanine, which is neutral and non-polar, at codon 885 of the MCM3AP protein (p.Leu885Phe). This variant is present in population databases (rs201315959, gnomAD 0.2%). This variant has not been reported in the literature in individuals affected with MCM3AP-related conditions. ClinVar contains an entry for this variant (Variation ID: 1417340). Algorithms developed to predict the effect of missense changes on protein structure and function are either unavailable or do not agree on the potential impact of this missense change (SIFT: "Deleterious"; PolyPhen-2: "Probably Damaging"; Align-GVGD: "Class C0"). In summary, the available evidence is currently insufficient to determine the role of this variant in disease. Therefore, it has been classified as a Variant of Uncertain Significance.